The following is an entry in ClinVar:

NM_005670.4(EPM2A):c.592A>G (p.Ile198Val)

Gene: EPM2A (EPM2A glucan phosphatase, laforin; minus strand). Cytogenetic location: 6q24.3.
Variant type: single nucleotide variant.
Coding change: c.592A>G on transcript NM_005670.4 (MANE Select); coding-DNA position 592, A replaced by G.
Protein change: p.Ile198Val; replaces isoleucine 198 with valine.
Molecular consequence: missense variant. On other transcripts: intron variant (1).
Genome position (GRCh38, 1-based): chr6:145,635,371, T>C on the plus strand (A>G on the coding strand, the complement: EPM2A is on the minus strand). VCF-style: chr6-145635371-T-C. GRCh37 (hg19) VCF-style: chr6-145956507-T-C.
Other names: c.592A>G, p.Ile198Val (NM_001018041.2, NM_001368130.1); c.178A>G, p.Ile60Val (NM_001360064.2, NM_001360071.2, NM_001368131.1); c.130A>G, p.Ile44Val (NM_001368129.2, NM_001368132.1); c.477-7678A>G (NM_001360057.2); short protein forms I60V, I44V, I198V.
Identifiers: ClinVar variation 4618627 (VCV004618627.2).

ClinVar aggregate classification (germline): Uncertain significance. Review status: criteria provided, multiple submitters, no conflicts (2 of 4 stars). 2 submissions from 2 submitters: Uncertain significance (2). Last evaluated 2025-11-12.

Conditions:
Inborn genetic diseases. Identifiers: MedGen C0950123, MeSH D030342.

gnomAD v4.1: 8 of 1,614,188 alleles (0.0005%); highest among the groups gnomAD compares: Non-Finnish European, 0.00068%; no homozygotes.

Submissions (2):

Ambry Genetics
Classification: Uncertain significance for Inborn genetic diseases. Last evaluated: 2025-11-12. Review status: criteria provided, single submitter. Criteria: Ambry Variant Classification Scheme 2023. Collection method: clinical testing. Allele origin: germline.
Comment: The c.592A>G (p.I198V) alteration is located in exon 3 (coding exon 3) of the EPM2A gene. This alteration results from a A to G substitution at nucleotide position 592, causing the isoleucine (I) at amino acid position 198 to be replaced by a valine (V). Based on data from gnomAD, the G allele has an overall frequency of <0.001% (1/251470) total alleles studied. The highest observed frequency was 0.001% (1/113748) of European (non-Finnish) alleles. Based on insufficient or conflicting evidence, the clinical significance of this alteration remains unclear.

Blueprint Genetics
Classification: Uncertain significance. Last evaluated: 2024-02-08. Review status: criteria provided, single submitter. Criteria: ACMG Guidelines, 2015. Collection method: clinical testing. Allele origin: germline.